The following is an entry in ClinVar:

NM_005630.3(SLCO2A1):c.1537C>G (p.His513Asp)

Gene: SLCO2A1 (solute carrier organic anion transporter family member 2A1; minus strand). Cytogenetic location: 3q22.1.
Variant type: single nucleotide variant.
Coding change: c.1537C>G on transcript NM_005630.3 (MANE Select); coding-DNA position 1537, C replaced by G.
Protein change: p.His513Asp; replaces histidine 513 with aspartic acid.
Molecular consequence: missense variant.
Genome position (GRCh38, 1-based): chr3:133,942,693, G>C on the plus strand (C>G on the coding strand, the complement: SLCO2A1 is on the minus strand). VCF-style: chr3-133942693-G-C. GRCh37 (hg19) VCF-style: chr3-133661537-G-C.
Other names: c.1537C>G (NM_005630.2); short protein forms H513D.
Identifiers: ClinVar variation 1925436 (VCV001925436.5), dbSNP rs771480419, ClinGen allele CA2626422.

ClinVar aggregate classification (germline): Uncertain significance. Review status: criteria provided, multiple submitters, no conflicts (2 of 4 stars). 2 submissions from 2 submitters: Uncertain significance (2). Last evaluated 2023-03-27.

Conditions:
Inborn genetic diseases. Identifiers: MedGen C0950123, MeSH D030342.

Allele frequency attached by ClinVar (database versions not stated): ExAC 0.00002; TOPMed 0.00002; gnomAD 0.00003.
gnomAD v4.1: 28 of 1,613,978 alleles (0.0017%); highest among the groups gnomAD compares: Non-Finnish European, 0.0022%; no homozygotes.

Submissions (2):

Ambry Genetics
Classification: Uncertain significance for Inborn genetic diseases. Last evaluated: 2023-03-27. Review status: criteria provided, single submitter. Criteria: Ambry Variant Classification Scheme 2023. Collection method: clinical testing. Allele origin: germline.

Labcorp Genetics (formerly Invitae), Labcorp
Classification: Uncertain significance. Last evaluated: 2022-10-17. Review status: criteria provided, single submitter. Criteria: Invitae Variant Classification Sherloc (09022015). Collection method: clinical testing. Allele origin: germline.
Comment: This variant has not been reported in the literature in individuals affected with SLCO2A1-related conditions. This variant is present in population databases (rs771480419, gnomAD 0.003%). This sequence change replaces histidine, which is basic and polar, with aspartic acid, which is acidic and polar, at codon 513 of the SLCO2A1 protein (p.His513Asp). Advanced modeling of protein sequence and biophysical properties (such as structural, functional, and spatial information, amino acid conservation, physicochemical variation, residue mobility, and thermodynamic stability) performed at Invitae indicates that this missense variant is not expected to disrupt SLCO2A1 protein function. In summary, the available evidence is currently insufficient to determine the role of this variant in disease. Therefore, it has been classified as a Variant of Uncertain Significance.